The following is an entry in ClinVar:

NM_001098511.3(KIF2A):c.1217G>A (p.Cys406Tyr)

Gene: KIF2A (kinesin family member 2A; plus strand). Cytogenetic location: 5q12.1.
Variant type: single nucleotide variant.
Coding change: c.1217G>A on transcript NM_001098511.3 (MANE Select); coding-DNA position 1217, G replaced by A.
Protein change: p.Cys406Tyr; replaces cysteine 406 with tyrosine.
Molecular consequence: missense variant.
Genome position (GRCh38, 1-based): chr5:62,363,275, G>A. VCF-style: chr5-62363275-G-A. GRCh37 (hg19) VCF-style: chr5-61659102-G-A.
Other names: c.1136G>A, p.Cys379Tyr (NM_001243952.2); c.1160G>A, p.Cys387Tyr (NM_001243953.2); c.1217G>A, p.Cys406Tyr (NM_004520.5); short protein forms C379Y, C387Y, C406Y.
Identifiers: ClinVar variation 1695129 (VCV001695129.35), dbSNP rs779248435, ClinGen allele CA3278945.

ClinVar aggregate classification (germline): Uncertain significance. Review status: criteria provided, multiple submitters, no conflicts (2 of 4 stars). 2 submissions from 2 submitters: Uncertain significance (2). Last evaluated 2025-05-17.

Allele frequency attached by ClinVar (database versions not stated): gnomAD exomes 0.00001; ExAC 0.00002; gnomAD 0.00002 and 0.00003; TOPMed 0.00003.
gnomAD v4.1: 7 of 1,613,832 alleles (0.00043%); highest among the groups gnomAD compares: African/African-American, 0.0093%; no homozygotes.

Submissions (2):

Labcorp Genetics (formerly Invitae), Labcorp
Classification: Uncertain significance. Last evaluated: 2025-05-17. Review status: criteria provided, single submitter. Criteria: Invitae Variant Classification Sherloc (09022015). Collection method: clinical testing. Allele origin: germline.
Comment: This sequence change replaces cysteine, which is neutral and slightly polar, with tyrosine, which is neutral and polar, at codon 406 of the KIF2A protein (p.Cys406Tyr). This variant is present in population databases (rs779248435, gnomAD 0.01%). This variant has not been reported in the literature in individuals affected with KIF2A-related conditions. ClinVar contains an entry for this variant (Variation ID: 1695129). An algorithm developed to predict the effect of missense changes on protein structure and function (PolyPhen-2) suggests that this variant is likely to be tolerated. In summary, the available evidence is currently insufficient to determine the role of this variant in disease. Therefore, it has been classified as a Variant of Uncertain Significance.

CeGaT Center for Human Genetics Tuebingen
Classification: Uncertain significance. Last evaluated: 2022-05-01. Review status: criteria provided, single submitter. Criteria: CeGaT Center For Human Genetics Tuebingen Variant Classification Criteria Version 2. Collection method: clinical testing. Allele origin: germline. Affected: yes. Observed: 1 variant allele.